The following is an entry in ClinVar:

ClinVar aggregate classification (germline): Benign/Likely benign. Review status: criteria provided, multiple submitters, no conflicts (2 of 4 stars). 21 submissions from 20 submitters: Benign (14); Likely benign (4). 3 of the submissions do not count toward it. Last evaluated 2026-04-01.

Conditions:
Hereditary cancer-predisposing syndrome. Also called: Tumor predisposition; Hereditary neoplastic syndrome; Neoplastic Syndromes, Hereditary; Hereditary Cancer Syndrome. Identifiers: Orphanet 140162, MedGen C0027672, MeSH D009386, MONDO:0015356.
Breast and/or ovarian cancer. Identifiers: MedGen CN221562.
CHEK2-related cancer predisposition (TPDS4). Also called: TUMOR PREDISPOSITION SYNDROME 4; CANCER PREDISPOSITION SYNDROME, CHEK2-RELATED; CHEK2-related cancer susceptibility. Identifiers: Orphanet 524, MedGen C5882668, MONDO:0700271, OMIM 609265.
Familial cancer of breast. Also called: Hereditary breast cancer; hereditary breast carcinoma; BREAST CANCER, FAMILIAL. Identifiers: Orphanet 227535, MedGen C0346153, MONDO:0016419, OMIM 114480. Disease mechanism: loss of function.

Allele frequency attached by ClinVar (database versions not stated): gnomAD exomes 0.00052 and 0.00140; ExAC 0.00188; gnomAD 0.00514 and 0.00555; TOPMed 0.00571; 1000 Genomes Project 0.00599; 1000 Genomes Project 30x 0.00656; ESP Exome Variant Server 0.00677.
gnomAD v4.1: 1,550 of 1,612,248 alleles (0.096%); highest among the groups gnomAD compares: African/African-American, 1.9%; 11 homozygotes.

Submissions (21):

CeGaT Center for Human Genetics Tuebingen
Classification: Benign. Last evaluated: 2026-04-01. Review status: criteria provided, single submitter. Criteria: CeGaT Center For Human Genetics Tuebingen Variant Classification Criteria Version 2. Collection method: clinical testing. Allele origin: germline. Affected: yes. Observed: 4 variant alleles.
Comment: CHEK2: BP4, BS1, BS2

Labcorp Genetics (formerly Invitae), Labcorp
Classification: Benign for Familial cancer of breast. Last evaluated: 2026-02-04. Review status: criteria provided, single submitter. Criteria: Invitae Variant Classification Sherloc (09022015). Collection method: clinical testing. Allele origin: germline.

Center for Genomic Medicine, Rigshospitalet, Copenhagen University Hospital
Classification: Benign. Last evaluated: 2025-03-04. Review status: criteria provided, single submitter. Criteria: ACMG Guidelines, 2015. Collection method: clinical testing. Allele origin: germline.

KCCC/NGS Laboratory, Kuwait Cancer Control Center
Classification: Benign for CHEK2-related cancer predisposition. Last evaluated: 2025-02-01. Review status: criteria provided, single submitter. Criteria: ACMG Guidelines, 2015. Collection method: clinical testing. Allele origin: germline. Affected: no.

Blueprint Genetics
Classification: Likely benign. Last evaluated: 2024-11-27. Review status: criteria provided, single submitter. Criteria: ACMG Guidelines, 2015. Collection method: clinical testing. Allele origin: germline.

Department of Pathology and Laboratory Medicine, Sinai Health System
Classification: Likely benign for CHEK2-related cancer predisposition. Last evaluated: 2024-01-29. Review status: criteria provided, single submitter. Criteria: ACMG Guidelines, 2015. Collection method: clinical testing. Allele origin: germline. Affected: yes.

KCCC/NGS Laboratory, Kuwait Cancer Control Center
Classification: Benign for Familial cancer of breast. Last evaluated: 2023-07-07. Review status: criteria provided, single submitter. Criteria: ACMG Guidelines, 2015. Collection method: clinical testing. Allele origin: germline. Affected: yes.

Myriad Genetics, Inc.
Classification: Likely benign for Familial cancer of breast. Last evaluated: 2023-03-09. Review status: criteria provided, single submitter. Criteria: Myriad Autosomal Dominant, Autosomal Recessive and X-Linked Classification Criteria (2023). Collection method: clinical testing. Allele origin: unknown.
Comment: This variant is considered likely benign. This variant is strongly associated with less severe personal and family histories of cancer, typical for individuals without pathogenic variants in this gene [PMID: 25085752].

Quest Diagnostics Nichols Institute San Juan Capistrano
Classification: Benign. Last evaluated: 2022-09-01. Review status: criteria provided, single submitter. Criteria: Quest Diagnostics criteria. Collection method: clinical testing. Allele origin: unknown.

CHEO Genetics Diagnostic Laboratory, Children's Hospital of Eastern Ontario
Classification: Benign for Breast and/or ovarian cancer. Last evaluated: 2022-05-25. Review status: criteria provided, single submitter. Criteria: ACMG Guidelines, 2015. Collection method: clinical testing. Allele origin: germline.

Genetic Services Laboratory, University of Chicago
Classification: Benign. Last evaluated: 2021-05-03. Review status: criteria provided, single submitter. Criteria: ACMG Guidelines, 2015. Collection method: clinical testing. Allele origin: germline. Affected: no.

Sema4
Classification: Benign for Hereditary cancer-predisposing syndrome. Last evaluated: 2020-04-28. Review status: criteria provided, single submitter. Criteria: Sema4 Curation Guidelines. Collection method: curation. Allele origin: germline.

GeneDx
Classification: Benign. Last evaluated: 2018-11-30. Review status: criteria provided, single submitter. Criteria: GeneDx Variant Classification Process June 2021. Collection method: clinical testing. Allele origin: germline. Affected: yes.
Comment: This variant is associated with the following publications: (PMID: 24728327, 27595995, 21244692, 26976419, 30851065)

Eurofins Ntd Llc (ga)
Classification: Benign. Last evaluated: 2018-04-06. Review status: criteria provided, single submitter. Criteria: EGL ClinVar v180209 classification definitions. Collection method: clinical testing. Allele origin: germline. Observed: 1 variant allele, 1 heterozygote.

PreventionGenetics, part of Exact Sciences
Classification: Benign. Last evaluated: 2017-07-31. Review status: criteria provided, single submitter. Criteria: ACMG Guidelines, 2015. Collection method: clinical testing. Allele origin: germline.

Ambry Genetics
Classification: Benign for Hereditary cancer-predisposing syndrome. Last evaluated: 2014-11-24. Review status: criteria provided, single submitter. Criteria: Ambry Variant Classification Scheme 2023. Collection method: clinical testing. Allele origin: germline.

Color Diagnostics, LLC DBA Color Health
Classification: Benign for Hereditary cancer-predisposing syndrome. Last evaluated: 2014-11-22. Review status: criteria provided, single submitter. Criteria: ACMG Guidelines, 2015. Collection method: clinical testing. Allele origin: germline.

Breakthrough Genomics
Classification: Likely benign. Review status: criteria provided, single submitter. Criteria: ACMG Guidelines, 2015. Collection method: not provided. Allele origin: germline. Inheritance: Autosomal dominant inheritance. Affected: yes.

True Health Diagnostics
Classification: Likely benign for Hereditary cancer-predisposing syndrome. Last evaluated: 2018-01-12. Review status: no assertion criteria provided. Collection method: clinical testing. Allele origin: germline. Not counted in ClinVar's aggregate classification.

Counsyl
Classification: Benign for Familial cancer of breast. Last evaluated: 2016-03-28. Review status: no assertion criteria provided. Collection method: clinical testing. Allele origin: unknown. Not counted in ClinVar's aggregate classification.

ITMI
No classification provided. Condition: AllHighlyPenetrant. Last evaluated: 2013-09-19. Review status: no classification provided. Collection method: reference population. Allele origin: germline. Not counted in ClinVar's aggregate classification.
Comment: Please see associated publication for description of ethnicities

Literature cited by the submitters: PubMed 21244692 (cited by 3 submitters); PubMed 25980754 (cited by Department of Pathology and Laboratory Medicine, Sinai Health System and Quest Diagnostics Nichols Institute San Juan Capistrano); PubMed 26976419 (cited by Department of Pathology and Laboratory Medicine, Sinai Health System and Quest Diagnostics Nichols Institute San Juan Capistrano); PubMed 27595995 (cited by Department of Pathology and Laboratory Medicine, Sinai Health System and Quest Diagnostics Nichols Institute San Juan Capistrano); PubMed 27979560 (cited by Department of Pathology and Laboratory Medicine, Sinai Health System); PubMed 24728327 (cited by 4 submitters); PubMed 30851065 (cited by Department of Pathology and Laboratory Medicine, Sinai Health System and Quest Diagnostics Nichols Institute San Juan Capistrano); PubMed 33471991 (cited by Department of Pathology and Laboratory Medicine, Sinai Health System and Quest Diagnostics Nichols Institute San Juan Capistrano); PubMed 25085752 (cited by Myriad Genetics, Inc.); PubMed 27978560 (cited by Quest Diagnostics Nichols Institute San Juan Capistrano).

NM_007194.4(CHEK2):c.1343T>G (p.Ile448Ser)

Gene: CHEK2 (checkpoint kinase 2; minus strand). Cytogenetic location: 22q12.1.
Variant type: single nucleotide variant.
Coding change: c.1343T>G on transcript NM_007194.4 (MANE Select); coding-DNA position 1343, T replaced by G.
Protein change: p.Ile448Ser; replaces isoleucine 448 with serine.
Molecular consequence: missense variant.
Genome position (GRCh38, 1-based): chr22:28,695,159, A>C on the plus strand (T>G on the coding strand, the complement: CHEK2 is on the minus strand). VCF-style: chr22-28695159-A-C. GRCh37 (hg19) VCF-style: chr22-29091147-A-C.
Other names: p.I448S:ATT>AGT; c.1472T>G, p.Ile491Ser (NM_001005735.3); c.680T>G, p.Ile227Ser (NM_001257387.3); c.1142T>G, p.Ile381Ser (NM_001349956.3); c.1256T>G, p.Ile419Ser (NM_145862.3); short protein forms I448S, I491S, I227S, I419S, I381S.
Identifiers: ClinVar variation 133892 (VCV000133892.81), dbSNP rs17886163, ClinGen allele CA158102.